The following is an entry in ClinVar:

ClinVar aggregate classification (germline): Uncertain significance (1 of 4 stars; one submission).

Conditions:
Inborn genetic diseases. Identifiers: MedGen C0950123, MeSH D030342.

Submission:

Ambry Genetics
Classification: Uncertain significance for Inborn genetic diseases. Last evaluated: 2025-11-02. Review status: criteria provided, single submitter. Criteria: Ambry Variant Classification Scheme 2023. Collection method: clinical testing. Allele origin: germline.
Comment: The p.S981T variant (also known as c.2942G>C), located in coding exon 22 of the BUB1B gene, results from a G to C substitution at nucleotide position 2942. The serine at codon 981 is replaced by threonine, an amino acid with similar properties. This amino acid position is conserved. In addition, this alteration is predicted to be tolerated by in silico analysis. Based on the available evidence, the clinical significance of this variant remains unclear.

NM_001211.6(BUB1B):c.2942G>C (p.Ser981Thr)

Genes: BUB1B (BUB1 mitotic checkpoint serine/threonine kinase B; plus strand), BUB1B-PAK6 (BUB1B-PAK6 readthrough; plus strand). Cytogenetic location: 15q15.1.
Variant type: single nucleotide variant.
Coding change: c.2942G>C on transcript NM_001211.6 (MANE Select); coding-DNA position 2942, G replaced by C.
Protein change: p.Ser981Thr; replaces serine 981 with threonine.
Molecular consequence: missense variant. On other transcripts: intron variant (2).
Genome position (GRCh38, 1-based): chr15:40,218,547, G>C. VCF-style: chr15-40218547-G-C. GRCh37 (hg19) VCF-style: chr15-40510748-G-C.
Other names: c.-201+880G>C (NM_001128628.3); c.-118+880G>C (NM_001128629.3); short protein forms S981T.
Identifiers: ClinVar variation 4599979 (VCV004599979.1).